The following is an entry in ClinVar:

NM_002471.4(MYH6):c.328G>A (p.Ala110Thr)

Genes: MYH6 (myosin heavy chain 6; minus strand), LOC114827851 (VISTA enhancer hs2155; plus strand). Cytogenetic location: 14q11.2.
Variant type: single nucleotide variant.
Coding change: c.328G>A on transcript NM_002471.4 (MANE Select); coding-DNA position 328, G replaced by A.
Protein change: p.Ala110Thr; replaces alanine 110 with threonine.
Molecular consequence: missense variant.
Genome position (GRCh38, 1-based): chr14:23,405,644, C>T on the plus strand (G>A on the coding strand, the complement: MYH6 is on the minus strand). VCF-style: chr14-23405644-C-T. GRCh37 (hg19) VCF-style: chr14-23874853-C-T.
Other names: short protein forms A110T.
Identifiers: ClinVar variation 44478 (VCV000044478.12), dbSNP rs397516760, ClinGen allele CA134316.

ClinVar aggregate classification (germline): Uncertain significance. Review status: criteria provided, multiple submitters, no conflicts (2 of 4 stars). 3 submissions from 3 submitters: Uncertain significance (3). Last evaluated 2025-06-29.

Conditions:
Hypertrophic cardiomyopathy 14. Identifiers: MedGen C2750467, MONDO:0013197, OMIM 613251.

Allele frequency attached by ClinVar (database versions not stated): gnomAD exomes 0.00001; TOPMed below 0.00001; ExAC 0.00001; gnomAD 0.00001.

Submissions (3):

Labcorp Genetics (formerly Invitae), Labcorp
Classification: Uncertain significance for Hypertrophic cardiomyopathy 14. Last evaluated: 2025-06-29. Review status: criteria provided, single submitter. Criteria: Invitae Variant Classification Sherloc (09022015). Collection method: clinical testing. Allele origin: germline.
Comment: This sequence change replaces alanine, which is neutral and non-polar, with threonine, which is neutral and polar, at codon 110 of the MYH6 protein (p.Ala110Thr). This variant is present in population databases (rs397516760, gnomAD 0.008%). This missense change has been observed in individual(s) with dilated cardiomyopathy (PMID: 27532257). ClinVar contains an entry for this variant (Variation ID: 44478). Invitae Evidence Modeling of protein sequence and biophysical properties (such as structural, functional, and spatial information, amino acid conservation, physicochemical variation, residue mobility, and thermodynamic stability) indicates that this missense variant is not expected to disrupt MYH6 protein function with a negative predictive value of 80%. In summary, the available evidence is currently insufficient to determine the role of this variant in disease. Therefore, it has been classified as a Variant of Uncertain Significance.

GeneDx
Classification: Uncertain significance. Last evaluated: 2023-08-03. Review status: criteria provided, single submitter. Criteria: GeneDx Variant Classification Process June 2021. Collection method: clinical testing. Allele origin: germline. Affected: yes.
Comment: Has been reported in an individual with DCM (Walsh et al., 2017); Not observed at significant frequency in large population cohorts (gnomAD); In silico analysis supports that this missense variant does not alter protein structure/function; This variant is associated with the following publications: (PMID: 27532257)

Laboratory for Molecular Medicine, Mass General Brigham Personalized Medicine
Classification: Uncertain significance. Last evaluated: 2012-01-26. Review status: criteria provided, single submitter. Criteria: LMM Criteria. Collection method: clinical testing. Allele origin: germline. Observed: 1 variant allele.
Comment: The Ala110Thr variant (MYH6) has not been reported in the literature nor previou sly identified by our laboratory. Computational analyses (biochemical amino aci d properties, conservation, AlignGVGD, PolyPhen2, and SIFT) do not provide stron g support for or against an impact to the protein. Additional information is nee ded to fully assess the clinical significance of the Ala110Thr variant.

Literature cited by the submitters: PubMed 27532257 (cited by Labcorp Genetics (formerly Invitae), Labcorp).